The following is an entry in ClinVar:

NM_004550.5(NDUFS2):c.-26T>A

Genes: NDUFS2 (NADH:ubiquinone oxidoreductase core subunit S2; plus strand), LOC129931761 (ATAC-STARR-seq lymphoblastoid active region 1985; plus strand). Cytogenetic location: 1q23.3.
Variant type: single nucleotide variant.
Coding change: c.-26T>A on transcript NM_004550.5; 26 bases upstream of the start codon, T replaced by A.
Molecular consequence: 5 prime UTR variant.
Genome position (GRCh38, 1-based): chr1:161,202,360, T>A. VCF-style: chr1-161202360-T-A. GRCh37 (hg19) VCF-style: chr1-161172150-T-A.
Other names: c.-26T>A (NM_001377298.1, NM_001377300.1, NM_001377301.1).
Identifiers: ClinVar variation 514078 (VCV000514078.3), dbSNP rs964824584, ClinGen allele CA31666590.

ClinVar aggregate classification (germline): Likely benign (1 of 4 stars; one submission).

Allele frequency attached by ClinVar (database versions not stated): gnomAD exomes below 0.00001 and 0.00001; TOPMed 0.00001.
gnomAD v4.1: 8 of 1,600,198 alleles (0.0005%); highest among the groups gnomAD compares: Non-Finnish European, 0.0006%; no homozygotes.

Submission:

GeneDx
Classification: Likely benign. Last evaluated: 2018-01-02. Review status: criteria provided, single submitter. Criteria: GeneDx Variant Classification (06012015). Collection method: clinical testing. Allele origin: germline. Affected: yes.
Comment: This variant is considered likely benign or benign based on one or more of the following criteria: it is a conservative change, it occurs at a poorly conserved position in the protein, it is predicted to be benign by multiple in silico algorithms, and/or has population frequency not consistent with disease.